The following is an entry in ClinVar:

ClinVar aggregate classification (germline): Pathogenic. Review status: reviewed by expert panel (3 of 4 stars). 4 submissions from 4 submitters: Pathogenic (1). 3 of the submissions do not count toward it. Last evaluated 2026-06-17.

Conditions:
Phenylketonuria (PKU). Also called: Phenylketonuria (PKU); FOLLING DISEASE; OLIGOPHRENIA PHENYLPYRUVICA; Phenylketonurias. Identifiers: Orphanet 716, MedGen C0031485, MONDO:0009861, OMIM 261600. Disease mechanism: loss of function.

Submissions (4):

ClinGen PAH Variant Curation Expert Panel
Classification: Pathogenic for Phenylketonuria. Last evaluated: 2026-06-17. Review status: reviewed by expert panel. Criteria: ClinGen PAH ACMG Specifications PAH V2.0.0. Collection method: curation. Allele origin: germline. Inheritance: Autosomal recessive inheritance.
Comment: The c.678G>C variant in PAH is a missense variant predicted to cause substitution of glutamine by histidine at amino acid 226 (p.Gln226His). At least one patient with this variant displayed plasma phenylalanine concentration persistently above 120umol/L (2mg/dL) AND normal urine pterins and normal DHPR activity to exclude a defect of BH4 cofactor metabolism, which is highly specific for PAH deficiency (PMID: 11678552, 22513348, 22917871). Two affected individuals were compound heterozygous for the variant and distinct pathogenic variants (phase unknown, p.R408W and p.A403V, PM3). The highest population minor allele frequency in gnomAD v4.1.0 is 0.00002286 in the Admixed American population, which is lower than the ClinGen PAH Variant Curation Expert Panel threshold (<0.0002) for PM2_Supporting, meeting this criterion (PM2_Supporting). The computational predictor REVEL gives a score of 0.955, which meets the threshold of 0.932, evidence that correlates with strong impact to PAH function (PP3_Strong). Another missense variant c.676C>A (p.Gln266Lys) [ClinVar Variation ID: 932251] in the same codon has been classified as likely pathogenic for PAH deficiency by the ClinGen PAH Variant Curation Expert Panel (PM5_Supporting). In summary, this variant meets criteria to be classified as pathogenic for autosomal recessive PAH deficiency based on the ACMG/AMP criteria applied, as specified by the ClinGen PAH Variant Curation Expert Panel: PP4_Moderate, PM2_supporting, PM3, PP3_strong, PM5_supporting (PAH VCEP specifications version 2.0.0; approved July 16, 2024).

Women's Health and Genetics/Laboratory Corporation of America, LabCorp
Classification: Pathogenic for Phenylketonuria. Last evaluated: 2025-06-12. Review status: criteria provided, single submitter. Criteria: LabCorp Variant Classification Summary - May 2015. Collection method: clinical testing. Allele origin: germline. Not counted in ClinVar's aggregate classification.
Comment: Variant summary: PAH c.678G>C (p.Gln226His) results in a non-conservative amino acid change in the encoded protein sequence. Algorithms developed to predict the effect of missense changes on protein structure and function all suggest that this variant is likely to be disruptive. The variant was absent in 251326 control chromosomes. c.678G>C has been observed in multiple individuals affected with Phenylalanine Hydroxylase Deficiency (Phenylketonuria) (Groselj_2012, Sarkissian_2012). These data indicate that the variant is very likely to be associated with disease. The following publications have been ascertained in the context of this evaluation (PMID: 22513348, 23430918). ClinVar contains an entry for this variant (Variation ID: 102783). Based on the evidence outlined above, the variant was classified as pathogenic.

Labcorp Genetics (formerly Invitae), Labcorp
Classification: Pathogenic for Phenylketonuria. Last evaluated: 2021-11-04. Review status: criteria provided, single submitter. Criteria: Invitae Variant Classification Sherloc (09022015). Collection method: clinical testing. Allele origin: germline. Not counted in ClinVar's aggregate classification.
Comment: For these reasons, this variant has been classified as Pathogenic. Advanced modeling of protein sequence and biophysical properties (such as structural, functional, and spatial information, amino acid conservation, physicochemical variation, residue mobility, and thermodynamic stability) performed at Invitae indicates that this missense variant is expected to disrupt PAH protein function. ClinVar contains an entry for this variant (Variation ID: 102783). This missense change has been observed in individual(s) with phenylketonuria (PMID: 11678552, 22513348, 32668217). This variant is not present in population databases (gnomAD no frequency). This sequence change replaces glutamine, which is neutral and polar, with histidine, which is basic and polar, at codon 226 of the PAH protein (p.Gln226His).

DeBelle Laboratory for Biochemical Genetics, MUHC/MCH RESEARCH INSTITUTE
No classification provided. Review status: no classification provided. Collection method: not provided. Allele origin: not provided. Not counted in ClinVar's aggregate classification.

Literature cited by the submitters: PubMed 11678552 (cited by ClinGen PAH Variant Curation Expert Panel and Labcorp Genetics (formerly Invitae), Labcorp); PubMed 23430918 (cited by Women's Health and Genetics/Laboratory Corporation of America, LabCorp); PubMed 22513348 (cited by Women's Health and Genetics/Laboratory Corporation of America, LabCorp and Labcorp Genetics (formerly Invitae), Labcorp); PubMed 32668217 (cited by Labcorp Genetics (formerly Invitae), Labcorp).

NM_000277.3(PAH):c.678G>C (p.Gln226His)

Gene: PAH (phenylalanine hydroxylase; minus strand). Cytogenetic location: 12q23.2.
Variant type: single nucleotide variant.
Coding change: c.678G>C on transcript NM_000277.3 (MANE Select); coding-DNA position 678, G replaced by C.
Protein change: p.Gln226His; replaces glutamine 226 with histidine.
Molecular consequence: missense variant.
Genome position (GRCh38, 1-based): chr12:102,855,164, C>G on the plus strand (G>C on the coding strand, the complement: PAH is on the minus strand). VCF-style: chr12-102855164-C-G. GRCh37 (hg19) VCF-style: chr12-103248942-C-G.
Other names: NM_000277.1(PAH):c.678G>C; c.678G>C, p.Gln226His (NM_001354304.2); short protein forms Q226H.
Identifiers: ClinVar variation 102783 (VCV000102783.8), dbSNP rs62508615, ClinGen allele CA229691.